The following is an entry in ClinVar:

ClinVar aggregate classification (germline): Likely pathogenic. Review status: criteria provided, multiple submitters, no conflicts (2 of 4 stars). 2 submissions from 2 submitters: Likely pathogenic (2). Last evaluated 2025-03-18.

Conditions:
3-methylglutaconic aciduria, type VIIB (MGCA7B). Also called: CLPB Deficiency; 3-methylglutaconic aciduria with cataracts, neurologic involvement and neutropenia; 3-methylglutaconic aciduria, type VII, with cataracts, neurologic involvement and neutropenia. Identifiers: Orphanet 445038, MedGen C5676893, MONDO:0014561, OMIM 616271.

Allele frequency attached by ClinVar (database versions not stated): gnomAD exomes 0.00001.
gnomAD v4.1: 7 of 1,605,484 alleles (0.00044%); highest among the groups gnomAD compares: Non-Finnish European, 0.0006%; no homozygotes.

Submissions (2):

Labcorp Genetics (formerly Invitae), Labcorp
Classification: Likely pathogenic for 3-methylglutaconic aciduria, type VIIB. Last evaluated: 2025-03-18. Review status: criteria provided, single submitter. Criteria: Invitae Variant Classification Sherloc (09022015). Collection method: clinical testing. Allele origin: germline.
Comment: This sequence change affects an acceptor splice site in intron 7 of the CLPB gene. It is expected to disrupt RNA splicing. Variants that disrupt the donor or acceptor splice site typically lead to a loss of protein function (PMID: 16199547), and loss-of-function variants in CLPB are known to be pathogenic (PMID: 25597510, 28687938). This variant is not present in population databases (gnomAD no frequency). This variant has not been reported in the literature in individuals affected with CLPB-related conditions. ClinVar contains an entry for this variant (Variation ID: 2683667). Algorithms developed to predict the effect of sequence changes on RNA splicing suggest that this variant may disrupt the consensus splice site. In summary, the currently available evidence indicates that the variant is pathogenic, but additional data are needed to prove that conclusively. Therefore, this variant has been classified as Likely Pathogenic.

Mayo Clinic Laboratories, Mayo Clinic
Classification: Likely pathogenic. Last evaluated: 2023-06-08. Review status: criteria provided, single submitter. Criteria: ACMG Guidelines, 2015. Collection method: clinical testing. Allele origin: germline. Observed: 1 variant allele.
Comment: PM2_supporting, PVS1

Literature cited by the submitters: PubMed 16199547 (cited by Labcorp Genetics (formerly Invitae), Labcorp); PubMed 25597510 (cited by Labcorp Genetics (formerly Invitae), Labcorp); PubMed 28687938 (cited by Labcorp Genetics (formerly Invitae), Labcorp); PubMed 25473036 (cited by Mayo Clinic Laboratories, Mayo Clinic); PubMed 25597511 (cited by Mayo Clinic Laboratories, Mayo Clinic).

NM_001258392.3(CLPB):c.874-2A>G

Gene: CLPB (ClpB family mitochondrial disaggregase; minus strand). Cytogenetic location: 11q13.4.
Variant type: single nucleotide variant.
Coding change: c.874-2A>G on transcript NM_001258392.3 (MANE Select); the canonical splice acceptor site of the intron before coding-DNA position 874, A replaced by G.
Molecular consequence: splice acceptor variant.
Genome position (GRCh38, 1-based): chr11:72,317,222, T>C on the plus strand (A>G on the coding strand, the complement: CLPB is on the minus strand). VCF-style: chr11-72317222-T-C. GRCh37 (hg19) VCF-style: chr11-72028266-T-C.
Other names: c.787-2A>G (NM_001258393.3); c.964-2A>G (NM_030813.6); c.829-2A>G (NM_001258394.3).
Identifiers: ClinVar variation 2683667 (VCV002683667.2), dbSNP rs1590786345, ClinGen allele CA381738817.